The following is an entry in ClinVar:

ClinVar aggregate classification (germline): Conflicting classifications of pathogenicity. Review status: criteria provided, conflicting classifications (1 of 4 stars). 3 submissions from 3 submitters: Uncertain significance (2); Likely benign (1). Last evaluated 2025-11-19.

Conditions:
Hereditary cancer-predisposing syndrome. Also called: Hereditary neoplastic syndrome; Tumor predisposition; Neoplastic Syndromes, Hereditary; Hereditary Cancer Syndrome. Identifiers: Orphanet 140162, MedGen C0027672, MeSH D009386, MONDO:0015356.
Cardiovascular phenotype. Identifiers: MedGen CN230736.
Neurofibromatosis, type 1 (NF1). Also called: Peripheral type neurofibromatosis; VON RECKLINGHAUSEN DISEASE; NEUROFIBROMATOSIS, TYPE I, SOMATIC; Neurofibromatosis, type I. Identifiers: Orphanet 636, MedGen C0027831, MONDO:0018975, OMIM 162200. Disease mechanism: loss of function.

Allele frequency attached by ClinVar (database versions not stated): TOPMed below 0.00001; gnomAD exomes 0.00001; ExAC 0.00002.
gnomAD v4.1: 1 of 1,611,654 alleles (0.000062%); highest among the groups gnomAD compares: African/African-American, 0.0013%; no homozygotes.

Submissions (3):

Labcorp Genetics (formerly Invitae), Labcorp
Classification: Uncertain significance for Neurofibromatosis, type 1. Last evaluated: 2025-11-19. Review status: criteria provided, single submitter. Criteria: Invitae Variant Classification Sherloc (09022015). Collection method: clinical testing. Allele origin: germline.
Comment: This sequence change replaces threonine, which is neutral and polar, with isoleucine, which is neutral and non-polar, at codon 976 of the NF1 protein (p.Thr976Ile). This variant is present in population databases (rs755404523, gnomAD 0.01%). This missense change has been observed in individual(s) with NF1-related conditions (PMID: 29684080). ClinVar contains an entry for this variant (Variation ID: 963208). Invitae Evidence Modeling of protein sequence and biophysical properties (such as structural, functional, and spatial information, amino acid conservation, physicochemical variation, residue mobility, and thermodynamic stability) indicates that this missense variant is not expected to disrupt NF1 protein function with a negative predictive value of 95%. In summary, the available evidence is currently insufficient to determine the role of this variant in disease. Therefore, it has been classified as a Variant of Uncertain Significance.

Quest Diagnostics Nichols Institute San Juan Capistrano
Classification: Uncertain significance. Last evaluated: 2024-04-12. Review status: criteria provided, single submitter. Criteria: Quest Diagnostics criteria. Collection method: clinical testing. Allele origin: unknown.

Ambry Genetics
Classification: Likely benign for Cardiovascular phenotype; Hereditary cancer-predisposing syndrome. Last evaluated: 2021-10-20. Review status: criteria provided, single submitter. Criteria: Ambry Variant Classification Scheme 2023. Collection method: clinical testing. Allele origin: germline.

Literature cited by the submitters: PubMed 29684080 (cited by Labcorp Genetics (formerly Invitae), Labcorp and Quest Diagnostics Nichols Institute San Juan Capistrano).

NM_001042492.3(NF1):c.2927C>T (p.Thr976Ile)

Gene: NF1 (neurofibromin 1; plus strand). Cytogenetic location: 17q11.2.
Variant type: single nucleotide variant.
Coding change: c.2927C>T on transcript NM_001042492.3 (MANE Select); coding-DNA position 2927, C replaced by T.
Protein change: p.Thr976Ile; replaces threonine 976 with isoleucine.
Molecular consequence: missense variant.
Genome position (GRCh38, 1-based): chr17:31,229,911, C>T. VCF-style: chr17-31229911-C-T. GRCh37 (hg19) VCF-style: chr17-29556929-C-T.
Other names: c.2927C>T, p.Thr976Ile (NM_000267.4); short protein forms T976I.
Identifiers: ClinVar variation 963208 (VCV000963208.10), dbSNP rs755404523, ClinGen allele CA8486051.